The following is an entry in ClinVar:

NM_000313.4(PROS1):c.1088T>C (p.Leu363Pro)

Gene: PROS1 (protein S; minus strand). Cytogenetic location: 3q11.1.
Variant type: single nucleotide variant.
Coding change: c.1088T>C on transcript NM_000313.4 (MANE Select); coding-DNA position 1088, T replaced by C.
Protein change: p.Leu363Pro; replaces leucine 363 with proline.
Molecular consequence: missense variant.
Genome position (GRCh38, 1-based): chr3:93,893,000, A>G on the plus strand (T>C on the coding strand, the complement: PROS1 is on the minus strand). VCF-style: chr3-93893000-A-G. GRCh37 (hg19) VCF-style: chr3-93611844-A-G.
Other names: c.1184T>C, p.Leu395Pro (NM_001314077.2); short protein forms L363P, L395P.
Identifiers: ClinVar variation 1684345 (VCV001684345.2), dbSNP rs2107150027, ClinGen allele CA353672225.
Genomic context (GRCh38, chr3:93,893,000, plus strand): 5'-CATAGACCATTATTAATAACATCACCTCCAGTTGTGATTTTGGATGTATGTTCATTCTTA[A>G]GCTGAACTTCAATCTTTCCACCACGAAGTGCAATCAGGAGCCACGCTGAGTGATCGATAG-3'
Protein context (NP_000304.2, residues 353-373): ALRGGKIEVQ[Leu363Pro]KNEHTSKITT

ClinVar aggregate classification (germline): Uncertain significance. Review status: criteria provided, single submitter (1 of 4 stars). 2 submissions from 1 submitter: Uncertain significance (1). 1 of the submissions does not count toward it.

Conditions:
Protein S deficiency disease. Also called: Protein S deficiency. Identifiers: MedGen C0242666, MeSH D018455, MONDO:0002304.
Thrombophilia due to protein S deficiency, autosomal dominant (THPH5). Identifiers: Orphanet 26349, Orphanet 743, MedGen C3278211, MONDO:0012868, OMIM 612336. Disease mechanism: loss of function.

Allele frequency attached by ClinVar (database versions not stated): gnomAD exomes below 0.00001.
gnomAD v4.1: 1 of 1,613,576 alleles (0.000062%); highest among the groups gnomAD compares: Non-Finnish European, 0.000085%; no homozygotes.

Submissions (2):

ISTH-SSC Genomics in Thrombosis and Hemostasis, KU Leuven, Center for Molecular and Vascular Biology
Classification: Uncertain significance for Thrombophilia due to protein S deficiency, autosomal dominant. Review status: criteria provided, single submitter. Criteria: ACMG Guidelines, 2015. Collection method: clinical testing. Allele origin: germline. Affected: yes. Observed: 2 heterozygotes. Clinical features observed: Pulmonary embolism, Low protein S levels, Thrombus vene subarachnoid.
Comment: Submitted to GoldVariant by Kathleen Freson, Center for Molecular and Vascular Biology, Leuven, Belgium

ISTH-SSC Genomics in Thrombosis and Hemostasis, KU Leuven, Center for Molecular and Vascular Biology
Classification: Uncertain significance for Protein S deficiency disease. Review status: no assertion criteria provided. Collection method: clinical testing. Allele origin: unknown. Affected: yes. Not counted in ClinVar's aggregate classification.
Comment: Submitted to GoldVariant by Prof Kathleen Freson from Center for Molecular and Vascular Biology, Leuven, Belgium